The following is an entry in ClinVar:

ClinVar aggregate classification (germline): Uncertain significance. Review status: criteria provided, multiple submitters, no conflicts (2 of 4 stars). 3 submissions from 3 submitters: Uncertain significance (3). Last evaluated 2025-10-02.

Conditions:
Desmin-related myofibrillar myopathy (MFM1). Also called: Desmin related myopathy (former name); Desmin storage myopathy (former name); MYOFIBRILLAR MYOPATHY WITH ARRHYTHMOGENIC RIGHT VENTRICULAR CARDIOMYOPATHY; DESMIN-RELATED MYOPATHY WITH ARRHYTHMOGENIC RIGHT VENTRICULAR CARDIOMYOPATHY; Myofibrillar myopathy 1; Desminopathy. Identifiers: Orphanet 363543, Orphanet 98909, MedGen C1832370, MONDO:0011076, OMIM 601419.

Allele frequency attached by ClinVar (database versions not stated): TOPMed 0.00001.

Submissions (3):

Labcorp Genetics (formerly Invitae), Labcorp
Classification: Uncertain significance for Desmin-related myofibrillar myopathy. Last evaluated: 2025-10-02. Review status: criteria provided, single submitter. Criteria: Invitae Variant Classification Sherloc (09022015). Collection method: clinical testing. Allele origin: germline.
Comment: This sequence change replaces histidine, which is basic and polar, with leucine, which is neutral and non-polar, at codon 441 of the DES protein (p.His441Leu). This variant is not present in population databases (gnomAD no frequency). This variant has not been reported in the literature in individuals affected with DES-related conditions. ClinVar contains an entry for this variant (Variation ID: 424366). Invitae Evidence Modeling of protein sequence and biophysical properties (such as structural, functional, and spatial information, amino acid conservation, physicochemical variation, residue mobility, and thermodynamic stability) has been performed for this missense variant. However, the output from this modeling did not meet the statistical confidence thresholds required to predict the impact of this variant on DES protein function. In summary, the available evidence is currently insufficient to determine the role of this variant in disease. Therefore, it has been classified as a Variant of Uncertain Significance.

AiLife Diagnostics
Classification: Uncertain significance. Last evaluated: 2021-12-30. Review status: criteria provided, single submitter. Criteria: ACMG Guidelines, 2015. Collection method: clinical testing. Allele origin: germline. Affected: yes. Observed: 2 variant alleles.

GeneDx
Classification: Uncertain significance. Last evaluated: 2017-03-20. Review status: criteria provided, single submitter. Criteria: GeneDx Variant Classification (06012015). Collection method: clinical testing. Allele origin: germline. Affected: yes.
Comment: The H441L variant has not been published as pathogenic or been reported as benign to our knowledge. The H441L variant is not observed in large population cohorts (Lek et al., 2016; 1000 Genomes Consortium et al., 2015; Exome Variant Server). The H441L variant is a non-conservative amino acid substitution, which is likely to impact secondary protein structure as these residues differ in polarity, charge, size and/or other properties. Lastly, this substitution occurs at a position that is conserved across species, and in silico analysis predicts this variant is probably damaging to the protein structure/function.

NM_001927.4(DES):c.1322A>T (p.His441Leu)

Gene: DES (desmin; plus strand). Cytogenetic location: 2q35.
Variant type: single nucleotide variant.
Coding change: c.1322A>T on transcript NM_001927.4 (MANE Select); coding-DNA position 1322, A replaced by T.
Protein change: p.His441Leu; replaces histidine 441 with leucine.
Molecular consequence: missense variant.
Genome position (GRCh38, 1-based): chr2:219,425,696, A>T. VCF-style: chr2-219425696-A-T. GRCh37 (hg19) VCF-style: chr2-220290418-A-T.
Other names: c.1322A>T (LRG_380t1); short protein forms H441L.
Identifiers: ClinVar variation 424366 (VCV000424366.9), dbSNP rs1064796937, ClinGen allele CA16617481.
Genomic context (GRCh38, chr2:219,425,696, plus strand): 5'-CTGAGTGTGCGATGGACCCTGTTACAGAAACCAGCCCTGAGCAAAGGGGTTCTGAGGTCC[A>T]TACCAAGAAGACGGTGATGATCAAGACCATCGAGACACGGGATGGGGAGGTAAGTGGTCT-3'
Protein context (NP_001918.3, residues 431-451): TSPEQRGSEV[His441Leu]TKKTVMIKTI